The following is an entry in ClinVar:

NM_005732.4(RAD50):c.3028A>G (p.Thr1010Ala)

Gene: RAD50 (RAD50 double strand break repair protein; plus strand). Cytogenetic location: 5q31.1.
Variant type: single nucleotide variant.
Coding change: c.3028A>G on transcript NM_005732.4 (MANE Select); coding-DNA position 3028, A replaced by G.
Protein change: p.Thr1010Ala; replaces threonine 1010 with alanine.
Molecular consequence: missense variant.
Genome position (GRCh38, 1-based): chr5:132,609,388, A>G. VCF-style: chr5-132609388-A-G. GRCh37 (hg19) VCF-style: chr5-131945080-A-G.
Other names: short protein forms T1010A.
Identifiers: ClinVar variation 408375 (VCV000408375.10), dbSNP rs747443174, ClinGen allele CA3405501.

ClinVar aggregate classification (germline): Uncertain significance. Review status: criteria provided, multiple submitters, no conflicts (2 of 4 stars). 2 submissions from 2 submitters: Uncertain significance (2). Last evaluated 2023-07-16.

Conditions:
Hereditary cancer-predisposing syndrome. Also called: Hereditary Cancer Syndrome; Hereditary neoplastic syndrome; Neoplastic Syndromes, Hereditary; Tumor predisposition. Identifiers: Orphanet 140162, MedGen C0027672, MeSH D009386, MONDO:0015356.

Allele frequency attached by ClinVar (database versions not stated): TOPMed below 0.00001; ExAC 0.00001; gnomAD exomes 0.00001.
gnomAD v4.1: 4 of 1,613,736 alleles (0.00025%); highest among the groups gnomAD compares: South Asian, 0.0011%; no homozygotes.

Submissions (2):

Labcorp Genetics (formerly Invitae), Labcorp
Classification: Uncertain significance for Hereditary cancer-predisposing syndrome. Last evaluated: 2023-07-16. Review status: criteria provided, single submitter. Criteria: Invitae Variant Classification Sherloc (09022015). Collection method: clinical testing. Allele origin: germline.
Comment: This variant has not been reported in the literature in individuals affected with RAD50-related conditions. In summary, the available evidence is currently insufficient to determine the role of this variant in disease. Therefore, it has been classified as a Variant of Uncertain Significance. Advanced modeling of protein sequence and biophysical properties (such as structural, functional, and spatial information, amino acid conservation, physicochemical variation, residue mobility, and thermodynamic stability) performed at Invitae indicates that this missense variant is expected to disrupt RAD50 protein function. ClinVar contains an entry for this variant (Variation ID: 408375). This variant is present in population databases (rs747443174, gnomAD 0.003%). This sequence change replaces threonine, which is neutral and polar, with alanine, which is neutral and non-polar, at codon 1010 of the RAD50 protein (p.Thr1010Ala).

Ambry Genetics
Classification: Uncertain significance for Hereditary cancer-predisposing syndrome. Last evaluated: 2023-06-22. Review status: criteria provided, single submitter. Criteria: Ambry Variant Classification Scheme 2023. Collection method: clinical testing. Allele origin: germline.
Comment: The p.T1010A variant (also known as c.3028A>G), located in coding exon 19 of the RAD50 gene, results from an A to G substitution at nucleotide position 3028. The threonine at codon 1010 is replaced by alanine, an amino acid with similar properties. This amino acid position is conserved. In addition, this alteration is predicted to be tolerated by in silico analysis. Since supporting evidence is limited at this time, the clinical significance of this alteration remains unclear.